The following is an entry in ClinVar:

ClinVar aggregate classification (germline): Uncertain significance (1 of 4 stars; one submission).

Allele frequency attached by ClinVar (database versions not stated): gnomAD exomes below 0.00001; gnomAD 0.00002; TOPMed 0.00002.
gnomAD v4.1: 5 of 1,548,842 alleles (0.00032%); highest among the groups gnomAD compares: African/African-American, 0.0068%; no homozygotes.

Submission:

Labcorp Genetics (formerly Invitae), Labcorp
Classification: Uncertain significance. Last evaluated: 2024-02-23. Review status: criteria provided, single submitter. Criteria: Invitae Variant Classification Sherloc (09022015). Collection method: clinical testing. Allele origin: germline.
Comment: This sequence change replaces lysine, which is basic and polar, with glutamic acid, which is acidic and polar, at codon 60 of the KIZ protein (p.Lys60Glu). This variant is not present in population databases (gnomAD no frequency). This variant has not been reported in the literature in individuals affected with KIZ-related conditions. ClinVar contains an entry for this variant (Variation ID: 1357302). Experimental studies and prediction algorithms are not available or were not evaluated, and the functional significance of this variant is currently unknown. In summary, the available evidence is currently insufficient to determine the role of this variant in disease. Therefore, it has been classified as a Variant of Uncertain Significance.

NM_018474.6(KIZ):c.178A>G (p.Lys60Glu)

Gene: KIZ (kizuna centrosomal protein; plus strand). Cytogenetic location: 20p11.23.
Variant type: single nucleotide variant.
Coding change: c.178A>G on transcript NM_018474.6 (MANE Select); coding-DNA position 178, A replaced by G.
Protein change: p.Lys60Glu; replaces lysine 60 with glutamic acid.
Molecular consequence: missense variant. On other transcripts: 5 prime UTR variant (1), intron variant (4).
Genome position (GRCh38, 1-based): chr20:21,136,415, A>G. VCF-style: chr20-21136415-A-G. GRCh37 (hg19) VCF-style: chr20-21117056-A-G.
Other names: c.178A>G, p.Lys60Glu (NM_001352434.2); c.-209A>G (NM_001352436.2); c.169-9150A>G (NM_001276389.2); c.6+4256A>G (NM_001163022.3, NM_001352435.2, NM_001163023.3); short protein forms K60E.
Identifiers: ClinVar variation 1357302 (VCV001357302.6), dbSNP rs1319463736, ClinGen allele CA408488372.